The following is an entry in ClinVar:

NM_001329943.3(KIAA0586):c.270+3A>G

Gene: KIAA0586 (KIAA0586; plus strand). Cytogenetic location: 14q23.1.
Variant type: single nucleotide variant.
Coding change: c.270+3A>G on transcript NM_001329943.3 (MANE Select); 3 bases into the intron after coding-DNA position 270, A replaced by G.
Molecular consequence: intron variant.
Genome position (GRCh38, 1-based): chr14:58,429,436, A>G. VCF-style: chr14-58429436-A-G. GRCh37 (hg19) VCF-style: chr14-58896154-A-G.
Other names: c.306+3A>G (NM_001244189.2); c.225+3A>G (NM_001244190.2); c.15+3A>G (NM_001244192.2, NM_001244191.2, NM_001364701.2 and 2 more transcripts); c.270+3A>G (NM_001329944.2, NM_001329946.2, NM_001329947.2 and 1 more transcripts).
Identifiers: ClinVar variation 1372189 (VCV001372189.5), dbSNP rs2140391500, ClinGen allele CA2573150060.

ClinVar aggregate classification (germline): Uncertain significance (1 of 4 stars; one submission).

Conditions:
Joubert syndrome 23 (JBTS23). Identifiers: Orphanet 475, MedGen C4084822, MONDO:0014664, OMIM 616490.
Short-rib thoracic dysplasia 14 with polydactyly (SRTD14). Identifiers: Orphanet 397715, MedGen C4225286, MONDO:0014688, OMIM 616546.

Submission:

Labcorp Genetics (formerly Invitae), Labcorp
Classification: Uncertain significance for Joubert syndrome 23; Short-rib thoracic dysplasia 14 with polydactyly. Last evaluated: 2022-07-19. Review status: criteria provided, single submitter. Criteria: Invitae Variant Classification Sherloc (09022015). Collection method: clinical testing. Allele origin: germline.
Comment: This sequence change falls in intron 3 of the KIAA0586 gene. It does not directly change the encoded amino acid sequence of the KIAA0586 protein. It affects a nucleotide within the consensus splice site. In summary, the available evidence is currently insufficient to determine the role of this variant in disease. Therefore, it has been classified as a Variant of Uncertain Significance. Variants that disrupt the consensus splice site are a relatively common cause of aberrant splicing (PMID: 17576681, 9536098). Algorithms developed to predict the effect of sequence changes on RNA splicing suggest that this variant may disrupt the consensus splice site. ClinVar contains an entry for this variant (Variation ID: 1372189). This variant has not been reported in the literature in individuals affected with KIAA0586-related conditions. This variant is not present in population databases (gnomAD no frequency).

Literature cited by the submitters: PubMed 17576681; PubMed 9536098.